The following is an entry in ClinVar:

ClinVar aggregate classification (germline): Uncertain significance (1 of 4 stars; one submission).

Conditions:
POLD1-related polyposis and colorectal cancer syndrome (CRCS10). Also called: Colorectal cancer 10; COLORECTAL CANCER, SUSCEPTIBILITY TO, ON CHROMOSOME 19q; Colorectal cancer, susceptibility to, 10. Identifiers: Orphanet 220460, MedGen C2675481, MONDO:0012953, OMIM 612591.

Submission:

Labcorp Genetics (formerly Invitae), Labcorp
Classification: Uncertain significance for POLD1-related polyposis and colorectal cancer syndrome. Last evaluated: 2023-06-03. Review status: criteria provided, single submitter. Criteria: Invitae Variant Classification Sherloc (09022015). Collection method: clinical testing. Allele origin: germline.
Comment: In summary, the available evidence is currently insufficient to determine the role of this variant in disease. Therefore, it has been classified as a Variant of Uncertain Significance. Algorithms developed to predict the effect of sequence changes on RNA splicing suggest that this variant may create or strengthen a splice site. This variant has not been reported in the literature in individuals affected with POLD1-related conditions. This variant is not present in population databases (gnomAD no frequency). This sequence change falls in intron 21 of the POLD1 gene. It does not directly change the encoded amino acid sequence of the POLD1 protein.

NM_002691.4(POLD1):c.2717+19G>A

Gene: POLD1 (DNA polymerase delta 1, catalytic subunit; plus strand). Cytogenetic location: 19q13.33.
Variant type: single nucleotide variant.
Coding change: c.2717+19G>A on transcript NM_002691.4 (MANE Select); 19 bases into the intron after coding-DNA position 2717, G replaced by A.
Molecular consequence: intron variant.
Genome position (GRCh38, 1-based): chr19:50,415,609, G>A. VCF-style: chr19-50415609-G-A. GRCh37 (hg19) VCF-style: chr19-50918866-G-A.
Other names: c.2717+19G>A (NM_001256849.1); c.2795+19G>A (NM_001308632.1).
Identifiers: ClinVar variation 2912363 (VCV002912363.3), dbSNP rs2122477803, ClinGen allele CA2739276981.
Genomic context (GRCh38, chr19:50,415,609, plus strand): 5'-CGACTATGCCGGCAAGCAGGCCCACGTGGAGCTGGCCGAGAGGTCCTGCGCGGGGCGGGT[G>A]GCCTGGCCAGAAATAACCCCCTCCTTCCTGCCAGCTGGGCCCACTTCCTACACCCTCGCC-3'